The following is an entry in ClinVar:

NM_001322934.2(NFKB2):c.198C>T (p.Pro66=)

Gene: NFKB2 (nuclear factor kappa B subunit 2; plus strand). Cytogenetic location: 10q24.32.
Variant type: single nucleotide variant.
Coding change: c.198C>T on transcript NM_001322934.2 (MANE Select); coding-DNA position 198, C replaced by T.
Protein change: p.Pro66=; no amino-acid change (proline 66 retained).
Molecular consequence: synonymous variant.
Genome position (GRCh38, 1-based): chr10:102,396,778, C>T. VCF-style: chr10-102396778-C-T. GRCh37 (hg19) VCF-style: chr10-104156535-C-T.
Other names: c.198C>T, p.Pro66= (NM_001077494.3, NM_001261403.3, NM_001288724.1 and 2 more transcripts).
Identifiers: ClinVar variation 1116671 (VCV001116671.12), dbSNP rs778061308, ClinGen allele CA5664489.

ClinVar aggregate classification (germline): Likely benign. Review status: criteria provided, single submitter (1 of 4 stars). 2 submissions from 2 submitters: Likely benign (1). 1 of the submissions does not count toward it. Last evaluated 2025-11-04.

Conditions:
Immunodeficiency, common variable, 10. Also called: IMMUNODEFICIENCY, COMMON VARIABLE, WITH CENTRAL ADRENAL INSUFFICIENCY; DEFICIT IN ANTERIOR PITUITARY FUNCTION AND VARIABLE IMMUNODEFICIENCY. Identifiers: MedGen C3809991, MONDO:0014260, OMIM 615577.
NFKB2-related disorder. Also called: NFKB2-related condition.

Allele frequency attached by ClinVar (database versions not stated): ExAC 0.00002.
gnomAD v4.1: 27 of 1,613,236 alleles (0.0017%); highest among the groups gnomAD compares: South Asian, 0.018%; no homozygotes.

Submissions (2):

Labcorp Genetics (formerly Invitae), Labcorp
Classification: Likely benign for Immunodeficiency, common variable, 10. Last evaluated: 2025-11-04. Review status: criteria provided, single submitter. Criteria: Invitae Variant Classification Sherloc (09022015). Collection method: clinical testing. Allele origin: germline.

PreventionGenetics, part of Exact Sciences
Classification: Likely benign for NFKB2-related condition. Last evaluated: 2023-08-01. Review status: no assertion criteria provided. Collection method: clinical testing. Allele origin: germline. Not counted in ClinVar's aggregate classification.
Comment: This variant is classified as likely benign based on ACMG/AMP sequence variant interpretation guidelines (Richards et al. 2015 PMID: 25741868, with internal and published modifications).